The following is an entry in ClinVar:

ClinVar aggregate classification (germline): Uncertain significance (1 of 4 stars; one submission).

Conditions:
Hereditary cancer-predisposing syndrome. Also called: Neoplastic Syndromes, Hereditary; Tumor predisposition; Hereditary Cancer Syndrome; Hereditary neoplastic syndrome. Identifiers: Orphanet 140162, MedGen C0027672, MeSH D009386, MONDO:0015356.

Submission:

Ambry Genetics
Classification: Uncertain significance for Hereditary cancer-predisposing syndrome. Last evaluated: 2025-10-14. Review status: criteria provided, single submitter. Criteria: Ambry Variant Classification Scheme 2023. Collection method: clinical testing. Allele origin: germline.
Comment: The p.P1505S variant (also known as c.4513C>T), located in coding exon 29 of the ALK gene, results from a C to T substitution at nucleotide position 4513. The proline at codon 1505 is replaced by serine, an amino acid with similar properties. This amino acid position is conserved. In addition, this alteration is predicted to be deleterious by in silico analysis. Based on the available evidence, the clinical significance of this variant remains unclear.

NM_004304.5(ALK):c.4513C>T (p.Pro1505Ser)

Gene: ALK (ALK receptor tyrosine kinase; minus strand). Cytogenetic location: 2p23.2.
Variant type: single nucleotide variant.
Coding change: c.4513C>T on transcript NM_004304.5 (MANE Select); coding-DNA position 4513, C replaced by T.
Protein change: p.Pro1505Ser; replaces proline 1505 with serine.
Molecular consequence: missense variant.
Genome position (GRCh38, 1-based): chr2:29,193,574, G>A on the plus strand (C>T on the coding strand, the complement: ALK is on the minus strand). VCF-style: chr2-29193574-G-A. GRCh37 (hg19) VCF-style: chr2-29416440-G-A.
Other names: c.1309C>T, p.Pro437Ser (NM_001353765.2); short protein forms P437S, P1505S.
Identifiers: ClinVar variation 4675185 (VCV004675185.1).